The following is an entry in ClinVar:

ClinVar aggregate classification (germline): Likely pathogenic (1 of 4 stars; one submission).

gnomAD v4.1: 13 of 1,614,060 alleles (0.00081%); highest among the groups gnomAD compares: Admixed American, 0.0017%; no homozygotes.

Submission:

GeneDx
Classification: Likely pathogenic. Last evaluated: 2025-04-07. Review status: criteria provided, single submitter. Criteria: GeneDx Variant Classification Process June 2021. Collection method: clinical testing. Allele origin: germline. Affected: yes.
Comment: In silico analysis supports that this missense variant has a deleterious effect on protein structure/function; This variant is associated with the following publications: (PMID: 24614070, 39804667)

NM_022552.5(DNMT3A):c.2099C>T (p.Pro700Leu)

Gene: DNMT3A (DNA methyltransferase 3 alpha; minus strand). Cytogenetic location: 2p23.3.
Variant type: single nucleotide variant.
Coding change: c.2099C>T on transcript NM_022552.5 (MANE Select); coding-DNA position 2099, C replaced by T.
Protein change: p.Pro700Leu; replaces proline 700 with leucine.
Molecular consequence: missense variant. On other transcripts: non-coding transcript variant (1).
Genome position (GRCh38, 1-based): chr2:25,240,714, G>A on the plus strand (C>T on the coding strand, the complement: DNMT3A is on the minus strand). VCF-style: chr2-25240714-G-A. GRCh37 (hg19) VCF-style: chr2-25463583-G-A.
Other names: c.1643C>T, p.Pro548Leu (NM_001320893.1); c.1430C>T, p.Pro477Leu (NM_001375819.1); c.1532C>T, p.Pro511Leu (NM_153759.3); c.2099C>T, p.Pro700Leu (NM_175629.2); short protein forms P477L, P511L, P548L, P700L.
Identifiers: ClinVar variation 4282349 (VCV004282349.1).